The following is an entry in ClinVar:

NM_001048174.2(MUTYH):c.849+2_849+3del

Gene: MUTYH (mutY DNA glycosylase; minus strand). Cytogenetic location: 1p34.1.
Variant type: Deletion.
Coding change: c.849+2_849+3del on transcript NM_001048174.2 (MANE Select); the canonical splice donor site of the intron after coding-DNA position 849 through 3 bases into the intron after coding-DNA position 849, 2 bases deleted (TA; older notation c.849+2_849+3delTA).
Molecular consequence: splice donor variant.
Genome position (GRCh38, 1-based): chr1:45,332,163-45,332,164, TA deleted on the plus strand (TA on the coding strand, the reverse complement: MUTYH is on the minus strand). VCF-style (leftmost placement, unchanged base first): chr1-45332162-TTA-T. GRCh37 (hg19) VCF-style: chr1-45797834-TTA-T.
Other names: c.849+2_849+3del (NM_001407072.1, NM_001407073.1, NM_001048171.2 and 6 more transcripts); c.504+2_504+3del (NM_001350651.2, NM_001350650.2, NM_001407082.1); c.573+2_573+3del (NM_001293192.2, NM_001293196.2, NM_001407091.1); c.894+2_894+3del (NM_001293190.2); c.882+2_882+3del (NM_001407069.1, NM_001407077.1, NM_001293191.2); c.924+2_924+3del (NM_012222.3); c.933+2_933+3del (NM_001128425.2); c.852+2_852+3del (NM_001407071.1, NM_001048172.2, NM_001407078.1 and 1 more transcripts); and 5 more.
Identifiers: ClinVar variation 4876758 (VCV004876758.1).

ClinVar aggregate classification (germline): Pathogenic (1 of 4 stars; one submission).

Conditions:
Familial adenomatous polyposis 2. Also called: MUTYH-associated polyposis; COLORECTAL ADENOMATOUS POLYPOSIS, AUTOSOMAL RECESSIVE; ADENOMAS, MULTIPLE COLORECTAL, AUTOSOMAL RECESSIVE; MYH-associated polyposis; MUTYH-related attenuated familial adenomatous polyposis; MUTYH Polyposis. Identifiers: Orphanet 220460, Orphanet 247798, MedGen C3272841, MONDO:0012041, OMIM 608456.

Submission:

Human Genetics Bochum, Ruhr University Bochum
Classification: Pathogenic for Familial adenomatous polyposis 2. Last evaluated: 2026-06-12. Review status: criteria provided, single submitter. Criteria: ACMG Guidelines, 2015. Collection method: clinical testing. Allele origin: germline. Affected: yes.
Comment: in homozygous state; ACMG criteria used to clasify this variant: PVS1, PM2_SUP, PP4